The following is an entry in ClinVar:

ClinVar aggregate classification (germline): Uncertain significance. Review status: criteria provided, multiple submitters, no conflicts (2 of 4 stars). 2 submissions from 2 submitters: Uncertain significance (2). Last evaluated 2025-04-23.

Allele frequency attached by ClinVar (database versions not stated): gnomAD exomes 0.00001 and below 0.00001; ExAC 0.00002.
gnomAD v4.1: 4 of 1,207,404 alleles (0.00033%); highest among the groups gnomAD compares: Admixed American, 0.0022%; no homozygotes.

Submissions (2):

Labcorp Genetics (formerly Invitae), Labcorp
Classification: Uncertain significance. Last evaluated: 2025-04-23. Review status: criteria provided, single submitter. Criteria: Invitae Variant Classification Sherloc (09022015). Collection method: clinical testing. Allele origin: germline.
Comment: This sequence change replaces glycine, which is neutral and non-polar, with alanine, which is neutral and non-polar, at codon 653 of the CLCN5 protein (p.Gly653Ala). This variant is present in population databases (rs782297848, gnomAD 0.004%). This variant has not been reported in the literature in individuals affected with CLCN5-related conditions. ClinVar contains an entry for this variant (Variation ID: 1686573). Invitae Evidence Modeling of protein sequence and biophysical properties (such as structural, functional, and spatial information, amino acid conservation, physicochemical variation, residue mobility, and thermodynamic stability) indicates that this missense variant is not expected to disrupt CLCN5 protein function with a negative predictive value of 80%. In summary, the available evidence is currently insufficient to determine the role of this variant in disease. Therefore, it has been classified as a Variant of Uncertain Significance.

Mendelics
Classification: Uncertain significance. Last evaluated: 2022-05-04. Review status: criteria provided, single submitter. Criteria: Mendelics Assertion Criteria 2019. Collection method: clinical testing. Allele origin: germline.

NM_001127898.4(CLCN5):c.2168G>C (p.Gly723Ala)

Genes: CLCN5 (Cl-/H+ antiporter 5; plus strand), LOC126863258 (BRD4-independent group 4 enhancer GRCh37_chrX:49854497-49855696; plus strand). Cytogenetic location: Xp11.23.
Variant type: single nucleotide variant.
Coding change: c.2168G>C on transcript NM_001127898.4 (MANE Select); coding-DNA position 2168, G replaced by C.
Protein change: p.Gly723Ala; replaces glycine 723 with alanine.
Molecular consequence: missense variant.
Genome position (GRCh38, 1-based): chrX:50,090,694, G>C. VCF-style: chrX-50090694-G-C. GRCh37 (hg19) VCF-style: chrX-49855351-G-C.
Other names: c.1958G>C, p.Gly653Ala (NM_000084.5); c.2168G>C, p.Gly723Ala (NM_001127899.4); c.2018G>C, p.Gly673Ala (NM_001282163.2); short protein forms G653A, G673A, G723A.
Identifiers: ClinVar variation 1686573 (VCV001686573.4), dbSNP rs782297848, ClinGen allele CA10413969.
Genomic context (GRCh38, chrX:50,090,694, plus strand): 5'-CCATCTTCAATTTGTTTTTTCCTTCTGTTTGAATAGAAAATGCTCGAAAGAAACAGGATG[G>C]GGTTGTTAGCACTTCCATCATTTATTTCACGGAGCATTCTCCTCCATTGCCACCATACAC-3'
Protein context (NP_001121370.1, residues 713-733): SIENARKKQD[Gly723Ala]VVSTSIIYFT